The following is an entry in ClinVar:

NM_001385012.1(NBEA):c.240C>T (p.Leu80=)

Gene: NBEA (neurobeachin; plus strand). Cytogenetic location: 13q13.3.
Variant type: single nucleotide variant.
Coding change: c.240C>T on transcript NM_001385012.1 (MANE Select); coding-DNA position 240, C replaced by T.
Protein change: p.Leu80=; no amino-acid change (leucine 80 retained).
Molecular consequence: synonymous variant.
Genome position (GRCh38, 1-based): chr13:34,943,060, C>T. VCF-style: chr13-34943060-C-T. GRCh37 (hg19) VCF-style: chr13-35517197-C-T.
Other names: c.240C>T, p.Leu80= (NM_001379245.1, NM_015678.5).
Identifiers: ClinVar variation 3239273 (VCV003239273.19), dbSNP rs778633488.

ClinVar aggregate classification (germline): Likely benign (1 of 4 stars; one submission).

Allele frequency attached by ClinVar (database versions not stated): gnomAD 0.00001; TOPMed 0.00001; ExAC 0.00002.
gnomAD v4.1: 21 of 1,613,596 alleles (0.0013%); highest among the groups gnomAD compares: Non-Finnish European, 0.0017%; no homozygotes.

Submission:

CeGaT Center for Human Genetics Tuebingen
Classification: Likely benign. Last evaluated: 2024-05-01. Review status: criteria provided, single submitter. Criteria: CeGaT Center For Human Genetics Tuebingen Variant Classification Criteria Version 2. Collection method: clinical testing. Allele origin: germline. Affected: yes. Observed: 1 variant allele.
Comment: NBEA: BP4